The following is an entry in ClinVar:

NM_004562.3(PRKN):c.2T>C (p.Met1Thr)

Genes: PACRG (parkin coregulated; plus strand), PRKN (parkin RBR E3 ubiquitin protein ligase; minus strand). Cytogenetic location: 6q26.
Variant type: single nucleotide variant.
Coding change: c.2T>C on transcript NM_004562.3 (MANE Select); coding-DNA position 2, T replaced by C.
Protein change: p.Met1Thr; changes the start codon (methionine 1).
Molecular consequence: missense variant, initiator codon variant. On other transcripts: intron variant (2).
Genome position (GRCh38, 1-based): chr6:162,727,667, A>G on the plus strand (T>C on the coding strand, the complement: PRKN is on the minus strand). VCF-style: chr6-162727667-A-G. GRCh37 (hg19) VCF-style: chr6-163148699-A-G.
Other names: c.2T>C, p.Met1Thr (NM_013987.3, NM_013988.3); c.-77+388A>G (NM_152410.3, NM_001080378.2); short protein forms M1T.
Identifiers: ClinVar variation 805243 (VCV000805243.13), dbSNP rs771586218, ClinGen allele CA4090563.
Genomic context (GRCh38, chr6:162,727,667, plus strand): 5'-CATACCGGGGCGTGGGGCGGCGCAGAGAGGCTGTACCTGGCAGGTACCCACGTACCTATC[A>G]TGGTCACTGGGTAGGTGGCGGCTGCGGGCCAGGAACAGGCCCATGCGCGCAGCGGCGCCA-3'
Protein context (NP_004553.2, residues 1-11): [Met1Thr]IVFVRFNSSH

ClinVar aggregate classification (germline): Pathogenic/Likely pathogenic. Review status: criteria provided, multiple submitters, no conflicts (2 of 4 stars). 7 submissions from 7 submitters: Pathogenic (4); Likely pathogenic (3). Last evaluated 2026-05-29.

Conditions:
Autosomal recessive juvenile Parkinson disease 2. Also called: Parkinson disease autosomal recessive, early onset; Juvenile parkinsonism; Parkinsonism, early onset, with diurnal fluctuation; PRKN-Related Early-Onset Parkinson Disease; PARKINSON DISEASE, JUVENILE, AUTOSOMAL RECESSIVE; Parkinson disease, juvenile, type 2. Identifiers: Orphanet 2828, MedGen C1868675, MONDO:0010820, OMIM 600116.
PARK2-related disorders.
Autosomal dominant Parkinson disease 1. Identifiers: MedGen C1868595, MONDO:0008200, OMIM 168601.

Allele frequency attached by ClinVar (database versions not stated): gnomAD 0.00001; gnomAD exomes 0.00003 and 0.00008; ExAC 0.00027; TOPMed 0.00002.
gnomAD v4.1: 48 of 1,583,588 alleles (0.003%); highest among the groups gnomAD compares: South Asian, 0.046%; 1 homozygote.

Submissions (7):

Women's Health and Genetics/Laboratory Corporation of America, LabCorp
Classification: Pathogenic for Autosomal recessive juvenile Parkinson disease 2. Last evaluated: 2026-05-29. Review status: criteria provided, single submitter. Criteria: LabCorp Variant Classification Summary - May 2015. Collection method: clinical testing. Allele origin: germline.
Comment: Variant summary: PRKN c.2T>C (p.Met1Thr) alters the initiation codon and is predicted to result either in absence of the protein or truncation of the encoded protein due to translation initiation at a downstream codon. The next downstream start codon is p.Met80. A variant upstream of this codon (c.125G>C , p.Arg42Pro) has been classified as Pathogenic/Likely Pathogenic by our lab, suggesting the canonical initiation codon is essential for protein function. The variant allele was found at a frequency of 3e-05 in 1583588 control chromosomes, predominantly at a frequency of 0.00046 within the SAS subpopulation in the gnomAD database, including 1 homozygote. c.2T>C has been observed in the presumed compound heterozygous state in several individual(s) affected with Autosomal Recessive Juvenile Parkinson Disease 2 (example, Sun_2023). These data indicate that the variant is likely to be associated with disease. To our knowledge, no experimental evidence demonstrating an impact on protein function has been reported. The following publication has been ascertained in the context of this evaluation (PMID: 37198191). ClinVar contains an entry for this variant (Variation ID: 805243). Based on the evidence outlined above, the variant was classified as pathogenic.

Blueprint Genetics
Classification: Pathogenic for PARK2-related disorders. Last evaluated: 2021-02-03. Review status: criteria provided, single submitter. Criteria: ACMG Guidelines, 2015. Collection method: clinical testing. Allele origin: germline. Affected: yes. Observed: 5 variant alleles.

Revvity Omics, Revvity
Classification: Likely pathogenic for Autosomal recessive juvenile Parkinson disease 2. Last evaluated: 2019-11-18. Review status: criteria provided, single submitter. Criteria: ACMG Guidelines, 2015. Collection method: clinical testing. Allele origin: germline.

Department of Neurology, Qilu Hospital of Shandong University
Classification: Likely pathogenic for Autosomal recessive juvenile Parkinson disease 2. Last evaluated: 2019-07-01. Review status: criteria provided, single submitter. Criteria: ACMG2015. Collection method: clinical testing. Allele origin: germline. Affected: yes. Observed: 1 variant allele.

Athena Diagnostics
Classification: Pathogenic. Last evaluated: 2019-06-04. Review status: criteria provided, single submitter. Criteria: Athena Diagnostics Criteria. Collection method: clinical testing. Allele origin: germline.
Comment: The variant disrupts the natural start codon, and is therefore predicted to result in the loss of a functional protein. Found in at least one symptomatic patient, and found in general population data that is consistent with pathogenicity.

Juno Genomics, Hangzhou Juno Genomics, Inc
Classification: Likely pathogenic for Autosomal recessive juvenile Parkinson disease 2. Review status: criteria provided, single submitter. Criteria: ACMG Guidelines, 2015. Collection method: clinical testing. Allele origin: germline.
Comment: Absent from controls (or at extremely low frequency if recessive) in Genome Aggregation Database.;Null variant in a gene where loss of function (LOF) is a known mechanism of disease.;For recessive disorders, detected in trans with a pathogenic variant.;Patient's phenotype or family history is highly specific for a disease with a single genetic etiology.

Neuberg Centre For Genomic Medicine, NCGM
Classification: Pathogenic for Autosomal dominant Parkinson disease 1. Review status: criteria provided, single submitter. Criteria: ACMG Guidelines, 2015. Collection method: clinical testing. Allele origin: germline. Inheritance: Autosomal dominant inheritance. Affected: yes.

Literature cited by the submitters: PubMed 37198191 (cited by Women's Health and Genetics/Laboratory Corporation of America, LabCorp and Department of Neurology, Qilu Hospital of Shandong University); PubMed 20399249 (cited by Department of Neurology, Qilu Hospital of Shandong University and Athena Diagnostics); PubMed 32613234 (cited by Department of Neurology, Qilu Hospital of Shandong University); PubMed 35861376 (cited by Department of Neurology, Qilu Hospital of Shandong University).